The following is an entry in ClinVar:

NM_012464.5(TLL1):c.1889C>T (p.Thr630Ile)

Gene: TLL1 (tolloid like 1; plus strand). Cytogenetic location: 4q32.3.
Variant type: single nucleotide variant.
Coding change: c.1889C>T on transcript NM_012464.5 (MANE Select); coding-DNA position 1889, C replaced by T.
Protein change: p.Thr630Ile; replaces threonine 630 with isoleucine.
Molecular consequence: missense variant.
Genome position (GRCh38, 1-based): chr4:166,060,070, C>T. VCF-style: chr4-166060070-C-T. GRCh37 (hg19) VCF-style: chr4-166981222-C-T.
Other names: short protein forms T630I.
Identifiers: ClinVar variation 5001746 (VCV005001746.1).

ClinVar aggregate classification (germline): Uncertain significance (1 of 4 stars; one submission).

Conditions:
TLL1-related disorder. Also called: TLL1-related condition.

gnomAD v4.1: 1 of 1,613,734 alleles (0.000062%); highest among the groups gnomAD compares: Non-Finnish European, 0.000085%; no homozygotes.

Submission:

PreventionGenetics, part of Exact Sciences
Classification: Uncertain significance for TLL1-related condition. Last evaluated: 2026-01-16. Review status: criteria provided, single submitter. Criteria: ACMG Guidelines, 2015. Collection method: clinical testing. Allele origin: germline.
Comment: The TLL1 c.1889C>T variant is predicted to result in the amino acid substitution p.Thr630Ile. To our knowledge, this variant has not been reported in the literature or in a large population database (gnomAD), indicating this variant is rare. At this time, the clinical significance of this variant is uncertain due to the absence of conclusive functional and genetic evidence.